The following is an entry in ClinVar:

ClinVar aggregate classification (germline): Uncertain significance (1 of 4 stars; one submission).

Submission:

GeneDx
Classification: Uncertain significance. Last evaluated: 2019-04-09. Review status: criteria provided, single submitter. Criteria: GeneDx Variant Classification Process June 2021. Collection method: clinical testing. Allele origin: germline. Affected: yes.
Comment: Not observed in large population cohorts (Lek et al., 2016); In silico analysis, which includes protein predictors and evolutionary conservation, supports that this variant does not alter protein structure/function; Has not been previously published as pathogenic or benign to our knowledge

NM_001273.5(CHD4):c.5430C>A (p.Asp1810Glu)

Genes: CHD4 (chromodomain helicase DNA binding protein 4; minus strand), CHD4-AS1 (CHD4 antisense RNA 1; plus strand). Cytogenetic location: 12p13.31.
Variant type: single nucleotide variant.
Coding change: c.5430C>A on transcript NM_001273.5 (MANE Select); coding-DNA position 5430, C replaced by A.
Protein change: p.Asp1810Glu; replaces aspartic acid 1810 with glutamic acid.
Molecular consequence: missense variant.
Genome position (GRCh38, 1-based): chr12:6,573,201, G>T on the plus strand (C>A on the coding strand, the complement: CHD4 is on the minus strand). VCF-style: chr12-6573201-G-T. GRCh37 (hg19) VCF-style: chr12-6682367-G-T.
Other names: c.5409C>A, p.Asp1803Glu (NM_001297553.2); c.5397C>A, p.Asp1799Glu (NM_001363606.2); short protein forms D1799E, D1803E, D1810E.
Identifiers: ClinVar variation 1302081 (VCV001302081.2), dbSNP rs2136191632, ClinGen allele CA383636140.